The following is an entry in ClinVar:

NM_138927.4(SON):c.3303_3335dup (p.Tyr1118_Thr1119insSerAlaAlaAspArgSerMetMetSerSerTyr)

Gene: SON (SON DNA and RNA binding protein; plus strand). Cytogenetic location: 21q22.11.
Variant type: Duplication.
Coding change: c.3303_3335dup on transcript NM_138927.4 (MANE Select); coding-DNA positions 3303 to 3335, 33 bases duplicated.
Protein change: p.Tyr1118_Thr1119insSerAlaAlaAspArgSerMetMetSerSerTyr.
Molecular consequence: inframe insertion. On other transcripts: non-coding transcript variant (1), intron variant (1).
Genome position (GRCh38, 1-based): chr21:33,552,534-33,552,566, 33 bases duplicated; duplicating any 33 consecutive bases within chr21:33,552,526-33,552,566 gives the same sequence; the c. name uses the placement nearest the transcript's 3' end. GRCh37 (hg19): chr21:34,924,840-34,924,872.
Other names: c.3303_3335dup, p.Tyr1118_Thr1119insSerAlaAlaAspArgSerMetMetSerSerTyr (NM_001291411.2, NM_032195.3); c.245-4622_245-4590dup (NM_001291412.3).
Identifiers: ClinVar variation 5008299 (VCV005008299.1).

ClinVar aggregate classification (germline): Uncertain significance (1 of 4 stars; one submission).

Submission:

GeneDx
Classification: Uncertain significance. Last evaluated: 2026-02-28. Review status: criteria provided, single submitter. Criteria: GeneDx Variant Classification Process June 2021. Collection method: clinical testing. Allele origin: germline.
Comment: Not observed at significant frequency in large population cohorts (gnomAD); In-frame duplication of 11 amino acid(s) in a non-repeat region; In silico analysis supports a deleterious effect on splicing; Has not been previously published as pathogenic or benign to our knowledge